The following is an entry in ClinVar:

ClinVar aggregate classification (germline): Likely benign. Review status: criteria provided, multiple submitters, no conflicts (2 of 4 stars). 4 submissions from 4 submitters: Likely benign (3). 1 of the submissions does not count toward it. Last evaluated 2024-11-19.

Conditions:
Inborn genetic diseases. Identifiers: MedGen C0950123, MeSH D030342.
CC2D1A-related disorder. Also called: CC2D1A-related condition.

Allele frequency attached by ClinVar (database versions not stated): TOPMed 0.00012; ExAC 0.00015; gnomAD 0.00015; 1000 Genomes Project 0.00040; 1000 Genomes Project 30x 0.00062.
gnomAD v4.1: 265 of 1,613,294 alleles (0.016%); highest among the groups gnomAD compares: South Asian, 0.099%; 2 homozygotes.

Submissions (4):

Blueprint Genetics
Classification: Likely benign. Last evaluated: 2024-11-19. Review status: criteria provided, single submitter. Criteria: ACMG Guidelines, 2015. Collection method: clinical testing. Allele origin: germline.

Labcorp Genetics (formerly Invitae), Labcorp
Classification: Likely benign. Last evaluated: 2024-03-01. Review status: criteria provided, single submitter. Criteria: Invitae Variant Classification Sherloc (09022015). Collection method: clinical testing. Allele origin: germline.

Ambry Genetics
Classification: Likely benign for Inborn genetic diseases. Last evaluated: 2018-03-10. Review status: criteria provided, single submitter. Criteria: Ambry Variant Classification Scheme 2023. Collection method: clinical testing. Allele origin: germline.

PreventionGenetics, part of Exact Sciences
Classification: Likely benign for CC2D1A-related condition. Last evaluated: 2019-08-02. Review status: no assertion criteria provided. Collection method: clinical testing. Allele origin: germline. Not counted in ClinVar's aggregate classification.
Comment: This variant is classified as likely benign based on ACMG/AMP sequence variant interpretation guidelines (Richards et al. 2015 PMID: 25741868, with internal and published modifications).

NM_017721.5(CC2D1A):c.990G>A (p.Pro330=)

Gene: CC2D1A (coiled-coil and C2 domain containing 1A; plus strand). Cytogenetic location: 19p13.12.
Variant type: single nucleotide variant.
Coding change: c.990G>A on transcript NM_017721.5 (MANE Select); coding-DNA position 990, G replaced by A.
Protein change: p.Pro330=; no amino-acid change (proline 330 retained).
Molecular consequence: synonymous variant.
Genome position (GRCh38, 1-based): chr19:13,918,789, G>A. VCF-style: chr19-13918789-G-A. GRCh37 (hg19) VCF-style: chr19-14029602-G-A.
Other names: c.990G>A, p.Pro330= (NM_001411138.1).
Identifiers: ClinVar variation 1768577 (VCV001768577.8), dbSNP rs202106696, ClinGen allele CA9244490.